The following is an entry in ClinVar:

ClinVar aggregate classification (germline): Pathogenic. Review status: criteria provided, multiple submitters, no conflicts (2 of 4 stars). 25 submissions from 25 submitters: Pathogenic (24). 1 of the submissions does not count toward it. Last evaluated 2026-01-26.

Conditions:
ATP7B-related disorder. Also called: ATP7B-related condition.
Hearing loss, autosomal recessive 109. Also called: DEAFNESS, AUTOSOMAL RECESSIVE 109. Identifiers: MedGen C4693935, MONDO:0033202, OMIM 618013.
Inborn genetic diseases. Identifiers: MedGen C0950123, MeSH D030342.
Wilson disease (WND). Also called: Wilson's disease. Identifiers: Orphanet 905, MedGen C0019202, MONDO:0010200, OMIM 277900. Disease mechanism: loss of function.

Allele frequency attached by ClinVar (database versions not stated): gnomAD exomes 0.00008 and 0.00018; gnomAD 0.00011; TOPMed 0.00007; ExAC 0.00008; ESP Exome Variant Server 0.00016.

Submissions 1 to 8 of 25:

Labcorp Genetics (formerly Invitae), Labcorp
Classification: Pathogenic for Wilson disease. Last evaluated: 2026-01-26. Review status: criteria provided, single submitter. Criteria: Invitae Variant Classification Sherloc (09022015). Collection method: clinical testing. Allele origin: germline.
Comment: This sequence change replaces threonine, which is neutral and polar, with methionine, which is neutral and non-polar, at codon 977 of the ATP7B protein (p.Thr977Met). This variant is present in population databases (rs72552255, gnomAD 0.02%). This missense change has been observed in individuals with Wilson disease (PMID: 8938442, 11857545, 17272994, 18483695, 20517649, 21610751, 21682854, 22774841, 23551039). It has also been observed to segregate with disease in related individuals. ClinVar contains an entry for this variant (Variation ID: 35710). Invitae Evidence Modeling of protein sequence and biophysical properties (such as structural, functional, and spatial information, amino acid conservation, physicochemical variation, residue mobility, and thermodynamic stability) indicates that this missense variant is expected to disrupt ATP7B protein function with a positive predictive value of 80%. Experimental studies have shown that this missense change affects ATP7B function (PMID: 9837819). For these reasons, this variant has been classified as Pathogenic.

Natera, Inc.
Classification: Pathogenic for Wilson disease. Last evaluated: 2025-12-29. Review status: criteria provided, single submitter. Criteria: Natera Variant Classification Schema (03/2026). Collection method: clinical testing. Allele origin: germline.
Comment: The c.2930C>T variant in ATP7B is a missense variant predicted to cause substitution of threonine to methionine at amino acid 977. This variant is rare in the general population with a frequency below the threshold expected for the associated phenotype(s). This variant has been observed in one or more individuals affected with the associated recessive disease, as either homozygous or compound heterozygous with a second variant (PMID: 21682854, 35220961). Computational prediction algorithms indicate this variant is likely to affect gene or protein function. Given the available evidence, this variant is classified as Pathogenic.

PreventionGenetics, part of Exact Sciences
Classification: Pathogenic for ATP7B-related condition. Last evaluated: 2025-11-20. Review status: criteria provided, single submitter. Criteria: ACMG Guidelines, 2015. Collection method: clinical testing. Allele origin: germline.
Comment: The ATP7B c.2930C>T variant is predicted to result in the amino acid substitution p.Thr977Met. This variant has been reported in the homozygous and compound heterozygous states in individuals with Wilson disease (Loudianos et al. 1998. PubMed ID: 9671269; Chabik et al. 2014. PubMed ID: 23774950; Dong et al. 2016. PubMed ID: 27022412). In-vitro functional studies support the pathogenicity of this variant (Forbes et al. 1998. PubMed ID: 9837819). This variant is interpreted as pathogenic.

Genetics and Genomic Medicine Centre, NeuroGen Healthcare, NeuroGen Healthcare
Classification: Pathogenic for Wilson disease. Last evaluated: 2025-10-08. Review status: criteria provided, single submitter. Criteria: ACMG Guidelines, 2015. Collection method: clinical testing. Allele origin: unknown. Affected: yes.

Immunogenetics and Transplant Biology Service, University Hospital "Città della Salute e della Scienza di Torino"
Classification: Pathogenic for Wilson disease. Last evaluated: 2025-06-28. Review status: criteria provided, single submitter. Criteria: ACMG Guidelines, 2015. Collection method: clinical testing. Allele origin: germline. Affected: yes.

ARUP Laboratories, Molecular Genetics and Genomics, ARUP Laboratories
Classification: Pathogenic for Wilson disease. Last evaluated: 2025-06-09. Review status: criteria provided, single submitter. Criteria: ARUP Molecular Germline Variant Investigation Process 2024. Collection method: clinical testing. Allele origin: germline.
Comment: The ATP7B c.2930C>T; p.Thr977Met variant (rs72552255) is reported in the literature in multiple individuals and families affected with Wilson disease (Chabik 2014, Coffey 2013, Dong 2016, Firneisz 2002, Loudianos 1998, Waldenstrom 1996, Weiss 2010). Many affected individuals with this variant are homozygous or reported to carry a second pathogenic variant (Coffey 2013, Waldenstrom 1996, Weiss 2010). This variant is also reported in ClinVar (Variation ID: 35710). It is found in the general population with an overall allele frequency of 0.009% (25/280830 alleles) in the Genome Aggregation Database. Functional analyses of the variant protein shows that it fails to rescue a knockout yeast cell line (Forbes 1998). Based on available information, this variant is considered to be pathogenic. References: Chabik et al. Concordance rates of Wilson's disease phenotype among siblings. J Inherit Metab Dis. 2014 Jan;37(1):131-5. PMID: 23774950. Coffey AJ et al. A genetic study of Wilson's disease in the United Kingdom. Brain. 2013 May;136(Pt 5):1476-87. PMID: 23518715. Dong Y et al. Spectrum and Classification of ATP7B Variants in a Large Cohort of Chinese Patients with Wilson's Disease Guides Genetic Diagnosis. Theranostics. 2016 Mar 3;6(5):638-49. PMID: 27022412. Firneisz G et al. Common mutations of ATP7B in Wilson disease patients from Hungary. Am J Med Genet. 2002 Feb 15;108(1):23-8. PMID: 11857545. Forbes and Cox Functional characterization of missense mutations in ATP7B: Wilson disease mutation or normal variant? Am J Hum Genet. 1998 Dec;63(6):1663-74. PMID: 9837819. Loudianos G et al. Further delineation of the molecular pathology of Wilson disease in the Mediterranean population. Hum Mutat. 1998;12(2):89-94. PMID: 9671269. Waldenstrom et al. Efficient detection of mutations in Wilson disease by manifold sequencing. 1996 Nov 1;37(3):303-9. PMID: 8938442. Weiss et al. Genetic analysis of BIRC4/XIAP as a putative modifier gene of Wilson disease. J Inherit Metab Dis. 2010 Dec;33 Suppl 3:S233-40. PMID: 20517649.

GeneDx
Classification: Pathogenic. Last evaluated: 2025-05-15. Review status: criteria provided, single submitter. Criteria: GeneDx Variant Classification Process June 2021. Collection method: clinical testing. Allele origin: germline. Affected: yes.
Comment: Functional studies found that the T977M variant was unable to complement ccc2 yeast, which demonstrates that this variant results in a nonfunctional protein (PMID: 9837819); In silico analysis supports that this missense variant has a deleterious effect on protein structure/function; This variant is associated with the following publications: (PMID: 23774950, 31589614, 35103209, 20517649, 22692182, 8938442, 7626145, 27022412, 11857545, 32291276, 32043565, 30275481, 9837819, 35220961, 35762218, 35470480, 36096368, 34400371)

Department of Biochemistry, All India Institute of Medical Sciences, Kalyani
Classification: Pathogenic for Hearing loss, autosomal recessive 109. Last evaluated: 2025-05-13. Review status: criteria provided, single submitter. Criteria: ACMG Guidelines, 2015. Collection method: clinical testing. Allele origin: germline. Affected: yes.
Comment: The NM_000053.4:c.2930C>T, is a missense variant in the mutational hotspot (PM1 – Pathogenic Moderate) exon 13 of ATP7B gene (with a low rate of benign missense mutations (359 pathogenic and 48 benign missense variants) (PP2 – Supporting) which is predicted to result in change in amino acid Threonine to Methionine in position 977 in the polypeptide chain. This amino acid change leads to a deleterious effect on the protein as per computational prediction tools (aggregate score Revel - 0.869) (PMID: 36413997) (PP3 – Pathogenic Moderate). Well established functional studies confirm the damaging effect on the protein PMID: 9837819 (PS3 – Pathogenic Supporting). This variant was previously reported in 27 different publications (PMID:22774841; PMID:14974157; PMID:32291276 etc.) (PM3 – Very Strong; PP1 – Pathogenic Supporting). This variant has an allele frequency of 0.0001753 in gnomAD v4.1.0 and 0.0002306 in South Asians (PM2 – Pathogenic Moderate). In summary, this variant meets criteria to be classified as pathogenic based on the ACMG/AMP criteria applied, as specified by PM1, PP2, PP3, PS3, PM3, PP1 & PM2 criteria.

NM_000053.4(ATP7B):c.2930C>T (p.Thr977Met)

Gene: ATP7B (ATPase copper transporting beta; minus strand). Cytogenetic location: 13q14.3.
Variant type: single nucleotide variant.
Coding change: c.2930C>T on transcript NM_000053.4 (MANE Select); coding-DNA position 2930, C replaced by T.
Protein change: p.Thr977Met; replaces threonine 977 with methionine.
Molecular consequence: missense variant.
Genome position (GRCh38, 1-based): chr13:51,946,414, G>A on the plus strand (C>T on the coding strand, the complement: ATP7B is on the minus strand). VCF-style: chr13-51946414-G-A. GRCh37 (hg19) VCF-style: chr13-52520550-G-A.
Other names: chr13-51946414 G>A; c.2309C>T, p.Thr770Met (NM_001005918.3); c.2597C>T, p.Thr866Met (NM_001243182.2); c.2696C>T, p.Thr899Met (NM_001330578.2); c.2678C>T, p.Thr893Met (NM_001330579.2); short protein forms T977M, T899M, T866M, T770M, T893M.
Identifiers: ClinVar variation 35710 (VCV000035710.81), dbSNP rs72552255, ClinGen allele CA220308.